The following is an entry in ClinVar:

NM_002693.3(POLG):c.541G>C (p.Glu181Gln)

Genes: POLG (DNA polymerase gamma, catalytic subunit; minus strand), POLGARF (POLG alternative reading frame; minus strand). Cytogenetic location: 15q26.1.
Variant type: single nucleotide variant.
Coding change: c.541G>C on transcript NM_002693.3 (MANE Select); coding-DNA position 541, G replaced by C.
Protein change: p.Glu181Gln; replaces glutamic acid 181 with glutamine.
Molecular consequence: missense variant.
Genome position (GRCh38, 1-based): chr15:89,333,214, C>G on the plus strand (G>C on the coding strand, the complement: POLG is on the minus strand). VCF-style: chr15-89333214-C-G. GRCh37 (hg19) VCF-style: chr15-89876445-C-G.
Other names: c.596G>C, p.Arg199Pro (NM_001430120.1); c.541G>C, p.Glu181Gln (NM_001126131.2); short protein forms R199P, E181Q.
Identifiers: ClinVar variation 3675084 (VCV003675084.2).
Genomic context (GRCh38, chr15:89,333,214, plus strand): 5'-CCTCCACGTCGAACACCAGGGCCCGCTCCTCGGGGATGGCCACGGGTACGGCCTCCCCCT[C>G]GGGGCCGTACCGGGTCCAGCCCTCCGCCCAGGCCCAAGCCGGGGGCTTCGGGGGCAGCTG-3'
Protein context (NP_002684.1, residues 171-191): WAEGWTRYGP[Glu181Gln]GEAVPVAIPE

ClinVar aggregate classification (germline): Uncertain significance (1 of 4 stars; one submission).

Conditions:
Progressive sclerosing poliodystrophy (MTDPS4A). Also called: ALPERS PROGRESSIVE INFANTILE POLIODYSTROPHY; NEURONAL DEGENERATION OF CHILDHOOD WITH LIVER DISEASE, PROGRESSIVE; Alpers Syndrome; ALPERS DIFFUSE DEGENERATION OF CEREBRAL GRAY MATTER WITH HEPATIC CIRRHOSIS; Alpers-Huttenlocher Syndrome; Mitochondrial DNA depletion syndrome 4A (Alpers type). Identifiers: Orphanet 726, MedGen C0205710, MONDO:0008758, OMIM 203700.

Submission:

Labcorp Genetics (formerly Invitae), Labcorp
Classification: Uncertain significance for Progressive sclerosing poliodystrophy. Last evaluated: 2024-05-08. Review status: criteria provided, single submitter. Criteria: Invitae Variant Classification Sherloc (09022015). Collection method: clinical testing. Allele origin: germline.
Comment: This sequence change replaces glutamic acid, which is acidic and polar, with glutamine, which is neutral and polar, at codon 181 of the POLG protein (p.Glu181Gln). This variant is not present in population databases (gnomAD no frequency). This variant has not been reported in the literature in individuals affected with POLG-related conditions. Advanced modeling of protein sequence and biophysical properties (such as structural, functional, and spatial information, amino acid conservation, physicochemical variation, residue mobility, and thermodynamic stability) performed at Invitae indicates that this missense variant is not expected to disrupt POLG protein function with a negative predictive value of 95%. In summary, the available evidence is currently insufficient to determine the role of this variant in disease. Therefore, it has been classified as a Variant of Uncertain Significance.